The following is an entry in ClinVar:

NM_153603.4(COG7):c.110C>T (p.Ala37Val)

Genes: COG7 (component of oligomeric golgi complex 7; minus strand), LOC130058658 (ATAC-STARR-seq lymphoblastoid active region 10580; plus strand). Cytogenetic location: 16p12.2.
Variant type: single nucleotide variant.
Coding change: c.110C>T on transcript NM_153603.4 (MANE Select); coding-DNA position 110, C replaced by T.
Protein change: p.Ala37Val; replaces alanine 37 with valine.
Molecular consequence: missense variant.
Genome position (GRCh38, 1-based): chr16:23,452,885, G>A on the plus strand (C>T on the coding strand, the complement: COG7 is on the minus strand). VCF-style: chr16-23452885-G-A. GRCh37 (hg19) VCF-style: chr16-23464206-G-A.
Other names: c.110C>T (NM_153603.3); short protein forms A37V.
Identifiers: ClinVar variation 2919270 (VCV002919270.3), dbSNP rs762150762, ClinGen allele CA7961420.

ClinVar aggregate classification (germline): Uncertain significance. Review status: criteria provided, multiple submitters, no conflicts (2 of 4 stars). 2 submissions from 2 submitters: Uncertain significance (2). Last evaluated 2025-11-24.

Conditions:
COG7 congenital disorder of glycosylation (CDG2E). Also called: CONGENITAL DISORDER OF GLYCOSYLATION, TYPE IIe; CDG IIe. Identifiers: Orphanet 79333, MedGen C2931010, MONDO:0012118, OMIM 608779.
Inborn genetic diseases. Identifiers: MedGen C0950123, MeSH D030342.

Allele frequency attached by ClinVar (database versions not stated): ExAC 0.00002; gnomAD exomes 0.00003; TOPMed 0.00004; gnomAD 0.00008.
gnomAD v4.1: 59 of 1,614,032 alleles (0.0037%); highest among the groups gnomAD compares: East Asian, 0.06%; no homozygotes.

Submissions (2):

Labcorp Genetics (formerly Invitae), Labcorp
Classification: Uncertain significance for COG7 congenital disorder of glycosylation. Last evaluated: 2025-11-24. Review status: criteria provided, single submitter. Criteria: Invitae Variant Classification Sherloc (09022015). Collection method: clinical testing. Allele origin: germline.
Comment: This sequence change replaces alanine, which is neutral and non-polar, with valine, which is neutral and non-polar, at codon 37 of the COG7 protein (p.Ala37Val). This variant is present in population databases (rs762150762, gnomAD 0.01%). This variant has not been reported in the literature in individuals affected with COG7-related conditions. ClinVar contains an entry for this variant (Variation ID: 2919270). Invitae Evidence Modeling of protein sequence and biophysical properties (such as structural, functional, and spatial information, amino acid conservation, physicochemical variation, residue mobility, and thermodynamic stability) indicates that this missense variant is not expected to disrupt COG7 protein function with a negative predictive value of 80%. In summary, the available evidence is currently insufficient to determine the role of this variant in disease. Therefore, it has been classified as a Variant of Uncertain Significance.

Ambry Genetics
Classification: Uncertain significance for Inborn genetic diseases. Last evaluated: 2024-03-18. Review status: criteria provided, single submitter. Criteria: Ambry Variant Classification Scheme 2023. Collection method: clinical testing. Allele origin: germline.